The following is an entry in ClinVar:

ClinVar aggregate classification (germline): Uncertain significance (1 of 4 stars; one submission).

Allele frequency attached by ClinVar (database versions not stated): gnomAD exomes below 0.00001; TOPMed below 0.00001; gnomAD 0.00001.
gnomAD v4.1: 2 of 1,613,978 alleles (0.00012%); highest among the groups gnomAD compares: Non-Finnish European, 0.000085%; no homozygotes.

Submission:

Laboratory for Molecular Medicine, Mass General Brigham Personalized Medicine
Classification: Uncertain significance. Last evaluated: 2016-02-25. Review status: criteria provided, single submitter. Criteria: LMM Criteria. Collection method: clinical testing. Allele origin: germline. Observed: 1 variant allele.
Comment: The p.Trp377Arg variant in TECTA has not been previously reported in individuals with hearing loss or in large population studies. Computational prediction tool s and conservation analyses suggest that the p.Trp377Arg variant may impact the protein, though this information is not predictive enough to determine pathogeni city. In summary, the clinical significance of the p.Trp377Arg variant is uncert ain.

NM_005422.4(TECTA):c.1129T>C (p.Trp377Arg)

Genes: TBCEL-TECTA (TBCEL-TECTA readthrough; plus strand), TECTA (tectorin alpha; plus strand). Cytogenetic location: 11q23.3.
Variant type: single nucleotide variant.
Coding change: c.1129T>C on transcript NM_005422.4 (MANE Select); coding-DNA position 1129, T replaced by C.
Protein change: p.Trp377Arg; replaces tryptophan 377 with arginine.
Molecular consequence: missense variant.
Genome position (GRCh38, 1-based): chr11:121,118,644, T>C. VCF-style: chr11-121118644-T-C. GRCh37 (hg19) VCF-style: chr11-120989353-T-C.
Other names: c.2086T>C, p.Trp696Arg (NM_001378761.1); short protein forms W377R, W696R.
Identifiers: ClinVar variation 229288 (VCV000229288.5), dbSNP rs876658013, ClinGen allele CA10576834.